The following is an entry in ClinVar:

ClinVar aggregate classification (germline): Benign. Review status: criteria provided, multiple submitters, no conflicts (2 of 4 stars). 4 submissions from 4 submitters: Benign (4). Last evaluated 2024-11-26.

Conditions:
Hereditary insensitivity to pain with anhidrosis (CIPA). Also called: HSAN Type IV; hereditary sensory and autonomic neuropathy type 4; INSENSITIVITY TO PAIN, CONGENITAL, WITH ANHIDROSIS; FAMILIAL DYSAUTONOMIA, TYPE II; NTRK1 Congenital Insensitivity to Pain with Anhidrosis; NEUROPATHY, CONGENITAL SENSORY, WITH ANHIDROSIS. Identifiers: Orphanet 642, MedGen C0020074, MONDO:0009746, OMIM 256800.

Allele frequency attached by ClinVar (database versions not stated): TOPMed 0.65804; 1000 Genomes Project 0.66294; gnomAD exomes 0.68189 and 0.67607; ESP Exome Variant Server 0.64040; gnomAD 0.64949 and 0.65381; ExAC 0.67050; 1000 Genomes Project 30x 0.65600.
gnomAD v4.1: 1,093,825 of 1,609,636 alleles (68%); highest among the groups gnomAD compares: East Asian, 82%; 373,314 homozygotes.

Submissions (4):

Blueprint Genetics
Classification: Benign. Last evaluated: 2024-11-26. Review status: criteria provided, single submitter. Criteria: ACMG Guidelines, 2015. Collection method: clinical testing. Allele origin: germline.

Genome-Nilou Lab
Classification: Benign for Hereditary insensitivity to pain with anhidrosis. Last evaluated: 2021-07-08. Review status: criteria provided, single submitter. Criteria: ACMG Guidelines, 2015. Collection method: clinical testing. Allele origin: germline. Affected: no.

GeneDx
Classification: Benign. Last evaluated: 2018-06-14. Review status: criteria provided, single submitter. Criteria: GeneDx Variant Classification (06012015). Collection method: clinical testing. Allele origin: germline. Affected: yes.
Comment: This variant is considered likely benign or benign based on one or more of the following criteria: it is a conservative change, it occurs at a poorly conserved position in the protein, it is predicted to be benign by multiple in silico algorithms, and/or has population frequency not consistent with disease.

Breakthrough Genomics
Classification: Benign. Review status: criteria provided, single submitter. Criteria: ACMG Guidelines, 2015. Collection method: not provided. Allele origin: germline. Inheritance: Unknown mechanism. Affected: yes.

NM_001007792.1(NTRK1):c.9+149G>A

Genes: NTRK1 (neurotrophic receptor tyrosine kinase 1; plus strand), SH2D2A (SH2 domain containing 2A; minus strand). Cytogenetic location: 1q23.1.
Variant type: single nucleotide variant.
Coding change: c.9+149G>A on transcript NM_001007792.1; 149 bases into the intron after coding-DNA position 9, G replaced by A.
Molecular consequence: intron variant.
Genome position (GRCh38, 1-based): chr1:156,815,987, G>A. VCF-style: chr1-156815987-G-A. GRCh37 (hg19) VCF-style: chr1-156785779-G-A.
Other names: c.69+19C>T (NM_001161442.2); c.123+19C>T (NM_003975.4, NM_001161441.2, NM_001161444.2); c.39+19C>T (NM_001161443.2).
Identifiers: ClinVar variation 667768 (VCV000667768.8), dbSNP rs1800600, ClinGen allele CA1167429.